The following is an entry in ClinVar:

ClinVar aggregate classification (germline): Uncertain significance. Review status: criteria provided, multiple submitters, no conflicts (2 of 4 stars). 2 submissions from 2 submitters: Uncertain significance (2). Last evaluated 2022-11-22.

Conditions:
Nephronophthisis 4 (NPHP4). Also called: NEPHRONOPHTHISIS 4, JUVENILE. Identifiers: Orphanet 655, MedGen C1847013, MONDO:0011752, OMIM 606966.
Senior-Loken syndrome 4 (SLSN4). Identifiers: Orphanet 3156, MedGen C1846979, MONDO:0011756, OMIM 606996.
Nephronophthisis. Also called: Juvenile Nephronophthisis. Identifiers: Orphanet 655, MedGen C0687120, MONDO:0019005, HP:0000090.

Allele frequency attached by ClinVar (database versions not stated): gnomAD exomes below 0.00001 and 0.00001; TOPMed below 0.00001; gnomAD 0.00001.
gnomAD v4.1: 4 of 1,576,112 alleles (0.00025%); highest among the groups gnomAD compares: Non-Finnish European, 0.00034%; no homozygotes.

Submissions (2):

Labcorp Genetics (formerly Invitae), Labcorp
Classification: Uncertain significance for Nephronophthisis. Last evaluated: 2022-11-22. Review status: criteria provided, single submitter. Criteria: Invitae Variant Classification Sherloc (09022015). Collection method: clinical testing. Allele origin: germline.
Comment: In summary, the available evidence is currently insufficient to determine the role of this variant in disease. Therefore, it has been classified as a Variant of Uncertain Significance. Advanced modeling of protein sequence and biophysical properties (such as structural, functional, and spatial information, amino acid conservation, physicochemical variation, residue mobility, and thermodynamic stability) performed at Invitae indicates that this missense variant is not expected to disrupt NPHP4 protein function. ClinVar contains an entry for this variant (Variation ID: 1003203). This variant has not been reported in the literature in individuals affected with NPHP4-related conditions. This variant is not present in population databases (gnomAD no frequency). This sequence change replaces isoleucine, which is neutral and non-polar, with serine, which is neutral and polar, at codon 504 of the NPHP4 protein (p.Ile504Ser).

Fulgent Genetics
Classification: Uncertain significance for Nephronophthisis 4; Senior-Loken syndrome 4. Last evaluated: 2022-01-05. Review status: criteria provided, single submitter. Criteria: ACMG Guidelines, 2015. Collection method: clinical testing. Allele origin: unknown.

NM_015102.5(NPHP4):c.1511T>G (p.Ile504Ser)

Gene: NPHP4 (nephrocystin 4; minus strand). Cytogenetic location: 1p36.31.
Variant type: single nucleotide variant.
Coding change: c.1511T>G on transcript NM_015102.5 (MANE Select); coding-DNA position 1511, T replaced by G.
Protein change: p.Ile504Ser; replaces isoleucine 504 with serine.
Molecular consequence: missense variant. On other transcripts: non-coding transcript variant (1), intron variant (2).
Genome position (GRCh38, 1-based): chr1:5,907,215, A>C on the plus strand (T>G on the coding strand, the complement: NPHP4 is on the minus strand). VCF-style: chr1-5907215-A-C. GRCh37 (hg19) VCF-style: chr1-5967275-A-C.
Other names: c.76-1432T>G (NM_001291594.2); c.76-1435T>G (NM_001291593.2); short protein forms I504S.
Identifiers: ClinVar variation 1003203 (VCV001003203.9), dbSNP rs1209081705, ClinGen allele CA338057098.